The following is an entry in ClinVar:

ClinVar aggregate classification (germline): Conflicting classifications of pathogenicity. Review status: criteria provided, conflicting classifications (1 of 4 stars). 3 submissions from 3 submitters: Uncertain significance (1); Likely benign (1). 1 of the submissions does not count toward it. Last evaluated 2025-12-24.

Conditions:
Renal cysts and diabetes syndrome (RCAD). Also called: Familial hypoplastic, glomerulocystic kidney; MATURITY-ONSET DIABETES OF THE YOUNG, TYPE 5. Identifiers: Orphanet 93111, MedGen C0431693, MONDO:0007669, OMIM 137920.
Nonpapillary renal cell carcinoma. Identifiers: Orphanet 422526, MedGen CN074294, MONDO:0007763, OMIM 144700.
Type 2 diabetes mellitus. Also called: Type II diabetes mellitus. Identifiers: MedGen C0011860, MeSH D003924, MONDO:0005148, OMIM 125853, HP:0005978.
Maturity-onset diabetes of the young (MODY). Also called: Maturity onset diabetes mellitus in young. Identifiers: Orphanet 552, MedGen C0342276, MONDO:0018911, HP:0004904.

Allele frequency attached by ClinVar (database versions not stated): gnomAD exomes 0.00001; ExAC 0.00002; gnomAD 0.00002; TOPMed 0.00004.
gnomAD v4.1: 24 of 1,614,006 alleles (0.0015%); highest among the groups gnomAD compares: East Asian, 0.0045%; no homozygotes.

Submissions (3):

Labcorp Genetics (formerly Invitae), Labcorp
Classification: Likely benign. Last evaluated: 2025-12-24. Review status: criteria provided, single submitter. Criteria: Invitae Variant Classification Sherloc (09022015). Collection method: clinical testing. Allele origin: germline.

Fulgent Genetics
Classification: Uncertain significance for Type 2 diabetes mellitus; Renal cysts and diabetes syndrome; Nonpapillary renal cell carcinoma. Last evaluated: 2024-01-30. Review status: criteria provided, single submitter. Criteria: ACMG Guidelines, 2015. Collection method: clinical testing. Allele origin: germline.

Clinical Genomics, Uppaluri K&H Personalized Medicine Clinic
Classification: Pathogenic for Maturity-onset diabetes of the young. Review status: flagged submission. Criteria: K & H Uppaluri Personalized Medicine Clinic Variant Classification & Assertion Criteria_Updated V.1. Collection method: research. Allele origin: unknown. Inheritance: Autosomal dominant inheritance. Not counted in ClinVar's aggregate classification.
Comment: HNF1B gene mutations are associated with early onset diabetes and pancreatic atrophy. It is also associated with multiple renal manifestations including renal cysts, Tubulointerstitial disease, glomerulocystic disease, renal hypoplasia, hypomagnesemia. However no sufficient evidence is found to ascertain the role of this particular variant rs764561297, yet.
ClinVar note: Notes: Lab calls variant pathogenic yet says there's no sufficient evidence to ascertain the role of this specific variant in disease.
ClinVar note: Reason: Claim with insufficient supporting evidence

Literature cited by the submitters: PubMed 24897035 (cited by Clinical Genomics, Uppaluri K&H Personalized Medicine Clinic); PubMed 25536396 (cited by Clinical Genomics, Uppaluri K&H Personalized Medicine Clinic); PubMed 27615128 (cited by Clinical Genomics, Uppaluri K&H Personalized Medicine Clinic); PubMed 28215227 (cited by Clinical Genomics, Uppaluri K&H Personalized Medicine Clinic); PubMed 33434175 (cited by Clinical Genomics, Uppaluri K&H Personalized Medicine Clinic); PubMed 25741167 (cited by Clinical Genomics, Uppaluri K&H Personalized Medicine Clinic); PubMed 26340261 (cited by Clinical Genomics, Uppaluri K&H Personalized Medicine Clinic); PubMed 19639018 (cited by Clinical Genomics, Uppaluri K&H Personalized Medicine Clinic).

NM_000458.4(HNF1B):c.516C>T (p.Tyr172=)

Gene: HNF1B (HNF1 homeobox B; minus strand). Cytogenetic location: 17q12.
Variant type: single nucleotide variant.
Coding change: c.516C>T on transcript NM_000458.4 (MANE Select); coding-DNA position 516, C replaced by T.
Protein change: p.Tyr172=; no amino-acid change (tyrosine 172 retained).
Molecular consequence: synonymous variant.
Genome position (GRCh38, 1-based): chr17:37,739,468, G>A on the plus strand (C>T on the coding strand, the complement: HNF1B is on the minus strand). VCF-style: chr17-37739468-G-A. GRCh37 (hg19) VCF-style: chr17-36099459-G-A.
Other names: c.516C>T, p.Tyr172= (NM_001165923.4, NM_001304286.2, NM_001411100.1).
Identifiers: ClinVar variation 1802527 (VCV001802527.5), dbSNP rs764561297, ClinGen allele CA8519068.